The following is an entry in ClinVar:

NM_000197.2(HSD17B3):c.614T>A (p.Val205Glu)

Genes: SLC35D2-HSD17B3 (SLC35D2-HSD17B3 readthrough; minus strand), HSD17B3 (hydroxysteroid 17-beta dehydrogenase 3; minus strand). Cytogenetic location: 9q22.32.
Variant type: single nucleotide variant.
Coding change: c.614T>A on transcript NM_000197.2 (MANE Select); coding-DNA position 614, T replaced by A.
Protein change: p.Val205Glu; replaces valine 205 with glutamic acid.
Molecular consequence: missense variant.
Genome position (GRCh38, 1-based): chr9:96,244,387, A>T on the plus strand (T>A on the coding strand, the complement: HSD17B3 is on the minus strand). VCF-style: chr9-96244387-A-T. GRCh37 (hg19) VCF-style: chr9-99006669-A-T.
Other names: short protein forms V205E.
Identifiers: ClinVar variation 492767 (VCV000492767.11), dbSNP rs372027264, ClinGen allele CA5140324.

ClinVar aggregate classification (germline): Pathogenic/Likely pathogenic. Review status: criteria provided, multiple submitters, no conflicts (2 of 4 stars). 4 submissions from 4 submitters: Pathogenic (1); Likely pathogenic (2). 1 of the submissions does not count toward it. Last evaluated 2024-08-28.

Conditions:
Pseudohermaphroditism. Identifiers: MedGen C0033804, MONDO:0005518.
Testosterone 17-beta-dehydrogenase deficiency. Also called: 46,XY disorder of sex development due to 17-beta-hydroxysteroid dehydrogenase 3 deficiency; 17 alpha ketosteroid reductase deficiency of testis; 17 alpha KSR deficiency; Neutral 17 beta hydroxysteroid oxidoreductase deficiency; Male pseudoherma-phroditism with gynecomastia; Pseudohermaphroditism male with gynecomastia. Identifiers: Orphanet 752, MedGen C0268296, MONDO:0009916, OMIM 264300. Disease mechanism: loss of function.

Allele frequency attached by ClinVar (database versions not stated): TOPMed 0.00002; ExAC 0.00003; gnomAD 0.00003 and 0.00004; gnomAD exomes 0.00003; ESP Exome Variant Server 0.00008.
gnomAD v4.1: 279 of 1,614,050 alleles (0.017%); highest among the groups gnomAD compares: Non-Finnish European, 0.023%; no homozygotes.

Submissions (4):

Women's Health and Genetics/Laboratory Corporation of America, LabCorp
Classification: Pathogenic for Testosterone 17-beta-dehydrogenase deficiency. Last evaluated: 2024-08-28. Review status: criteria provided, single submitter. Criteria: LabCorp Variant Classification Summary - May 2015. Collection method: clinical testing. Allele origin: germline.
Comment: Variant summary: HSD17B3 c.614T>A (p.Val205Glu) results in a non-conservative amino acid change in the encoded protein sequence. Four of five in-silico tools predict a damaging effect of the variant on protein function. The variant allele was found at a frequency of 2.8e-05 in 251478 control chromosomes, predominantly at a frequency of 6.2e-05 within the Non-Finnish European subpopulation in the gnomAD database. c.614T>A has been reported in the literature in individuals affected with Testosterone 17-beta-dehydrogenase deficiency (Andersson_1996, Chuang_2013, Lee_2007, Phelan_2015). These data indicate that the variant is likely to be associated with disease. At least one publication reports experimental evidence evaluating an impact on protein function. The most pronounced variant effect results in almost diminished enzyme activity in vitro (Andersson_1996). The following publications have been ascertained in the context of this evaluation (PMID: 8550739, 24025597, 17466011, 25740850). ClinVar contains an entry for this variant (Variation ID: 492767). Based on the evidence outlined above, the variant was classified as pathogenic.

Labcorp Genetics (formerly Invitae), Labcorp
Classification: Likely pathogenic. Last evaluated: 2024-03-01. Review status: criteria provided, single submitter. Criteria: Invitae Variant Classification Sherloc (09022015). Collection method: clinical testing. Allele origin: germline.
Comment: This sequence change replaces valine, which is neutral and non-polar, with glutamic acid, which is acidic and polar, at codon 205 of the HSD17B3 protein (p.Val205Glu). This variant is present in population databases (rs372027264, gnomAD 0.006%). This missense change has been observed in individual(s) with 17-beta hydroxysteroid dehydrogenase 3 deficiency (PMID: 24025597, 25740850; Invitae). In at least one individual the data is consistent with being in trans (on the opposite chromosome) from a pathogenic variant. ClinVar contains an entry for this variant (Variation ID: 492767). Advanced modeling of protein sequence and biophysical properties (such as structural, functional, and spatial information, amino acid conservation, physicochemical variation, residue mobility, and thermodynamic stability) has been performed at Invitae for this missense variant, however the output from this modeling did not meet the statistical confidence thresholds required to predict the impact of this variant on HSD17B3 protein function. Experimental studies have shown that this missense change affects HSD17B3 function (PMID: 8550739). In summary, the currently available evidence indicates that the variant is pathogenic, but additional data are needed to prove that conclusively. Therefore, this variant has been classified as Likely Pathogenic.

Genetic Services Laboratory, University of Chicago
Classification: Likely pathogenic. Last evaluated: 2020-06-19. Review status: criteria provided, single submitter. Criteria: ACMG Guidelines, 2015. Collection method: clinical testing. Allele origin: germline. Affected: yes.
Comment: The sequence change, c.614T>A, in exon 9 that results in an amino acid change, p.Val205Glu. The p.Val205Glu change affects a moderately conserved amino acid residue located in a domain of the HSD17B3 protein that is known to be functional. The p.Val205Glu substitution appears to be deleterious using several in-silico pathogenicity prediction tools (SIFT, PolyPhen2, Align GVGD, REVEL).This particular amino acid change has been described in patients with 17 Beta-hydroxysteroid dehydrogenase 3 in both homozygous and compound heterozygous state (PMIDs: 30668521, 25740850). Experimental studies showed loss of enzymatic activity for the mutant cDNA expressed in the transfected cells (PMID: 8550739). This sequence change has been described in the gnomAD database with a low population frequency of 0.0062% the non-Finnish European subpopulation (dbSNP rs372027264). These collective evidences indicate that this sequence change is likely pathogenic.

Clinical Molecular Genetics Laboratory, Johns Hopkins All Children's Hospital
Classification: Pathogenic for Pseudohermaphroditism. Last evaluated: 2011-10-25. Review status: no assertion criteria provided. Collection method: clinical testing. Allele origin: germline. Affected: yes. Not counted in ClinVar's aggregate classification.

Literature cited by the submitters: PubMed 8550739 (cited by Women's Health and Genetics/Laboratory Corporation of America, LabCorp and Labcorp Genetics (formerly Invitae), Labcorp); PubMed 17466011 (cited by Women's Health and Genetics/Laboratory Corporation of America, LabCorp); PubMed 25740850 (cited by Women's Health and Genetics/Laboratory Corporation of America, LabCorp and Labcorp Genetics (formerly Invitae), Labcorp); PubMed 24025597 (cited by Women's Health and Genetics/Laboratory Corporation of America, LabCorp and Labcorp Genetics (formerly Invitae), Labcorp).